The following is an entry in ClinVar:

NM_001384474.1(LOXHD1):c.1951G>T (p.Val651Leu)

Gene: LOXHD1 (lipoxygenase homology PLAT domains 1; minus strand). Cytogenetic location: 18q21.1.
Variant type: single nucleotide variant.
Coding change: c.1951G>T on transcript NM_001384474.1 (MANE Select); coding-DNA position 1951, G replaced by T.
Protein change: p.Val651Leu; replaces valine 651 with leucine.
Molecular consequence: missense variant.
Genome position (GRCh38, 1-based): chr18:46,577,726, C>A on the plus strand (G>T on the coding strand, the complement: LOXHD1 is on the minus strand). VCF-style: chr18-46577726-C-A. GRCh37 (hg19) VCF-style: chr18-44157689-C-A.
Other names: c.1951G>T, p.Val651Leu (NM_144612.7); short protein forms V651L.
Identifiers: ClinVar variation 1463071 (VCV001463071.6), dbSNP rs769377709, ClinGen allele CA402377802.

ClinVar aggregate classification (germline): Uncertain significance (1 of 4 stars; one submission).

gnomAD v4.1: 1 of 1,551,474 alleles (0.000064%); highest among the groups gnomAD compares: Non-Finnish European, 0.000087%; no homozygotes.

Submission:

Labcorp Genetics (formerly Invitae), Labcorp
Classification: Uncertain significance. Last evaluated: 2021-09-21. Review status: criteria provided, single submitter. Criteria: Invitae Variant Classification Sherloc (09022015). Collection method: clinical testing. Allele origin: germline.
Comment: In summary, the available evidence is currently insufficient to determine the role of this variant in disease. Therefore, it has been classified as a Variant of Uncertain Significance. Algorithms developed to predict the effect of missense changes on protein structure and function are either unavailable or do not agree on the potential impact of this missense change (SIFT: "Deleterious"; PolyPhen-2: "Possibly Damaging"; Align-GVGD: "Class C0"). This variant has not been reported in the literature in individuals affected with LOXHD1-related conditions. This variant is not present in population databases (ExAC no frequency). This sequence change replaces valine with leucine at codon 651 of the LOXHD1 protein (p.Val651Leu). The valine residue is moderately conserved and there is a small physicochemical difference between valine and leucine.